The following is an entry in ClinVar:

ClinVar aggregate classification (germline): Uncertain significance (1 of 4 stars; one submission).

Conditions:
Inborn genetic diseases. Identifiers: MedGen C0950123, MeSH D030342.

gnomAD v4.1: 6 of 1,613,686 alleles (0.00037%); highest among the groups gnomAD compares: Non-Finnish European, 0.00051%; no homozygotes.

Submission:

Ambry Genetics
Classification: Uncertain significance for Inborn genetic diseases. Last evaluated: 2025-02-03. Review status: criteria provided, single submitter. Criteria: Ambry Variant Classification Scheme 2023. Collection method: clinical testing. Allele origin: germline.
Comment: The p.P74T variant (also known as c.220C>A), located in coding exon 3 of the BUB1B gene, results from a C to A substitution at nucleotide position 220. The proline at codon 74 is replaced by threonine, an amino acid with highly similar properties. This amino acid position is conserved. In addition, the in silico prediction for this alteration is inconclusive. Based on the available evidence, the clinical significance of this variant remains unclear.

NM_001211.6(BUB1B):c.220C>A (p.Pro74Thr)

Gene: BUB1B (BUB1 mitotic checkpoint serine/threonine kinase B; plus strand). Cytogenetic location: 15q15.1.
Variant type: single nucleotide variant.
Coding change: c.220C>A on transcript NM_001211.6 (MANE Select); coding-DNA position 220, C replaced by A.
Protein change: p.Pro74Thr; replaces proline 74 with threonine.
Molecular consequence: missense variant.
Genome position (GRCh38, 1-based): chr15:40,170,102, C>A. VCF-style: chr15-40170102-C-A. GRCh37 (hg19) VCF-style: chr15-40462303-C-A.
Other names: short protein forms P74T.
Identifiers: ClinVar variation 3826114 (VCV003826114.1).
Genomic context (GRCh38, chr15:40,170,102, plus strand): 5'-TTTTTCTGTTTACATTTCAGGGCATTTGAATATGAAATTCGATTTTACACTGGAAATGAC[C>A]CTCTGGATGTTTGGGATAGGTGGGTCTTTTTATTTCACAAGGACAATAGAAACATTAACA-3'
Protein context (NP_001202.5, residues 64-84): YEIRFYTGND[Pro74Thr]LDVWDRYISW